The following is an entry in ClinVar:

ClinVar aggregate classification (germline): Benign/Likely benign. Review status: criteria provided, multiple submitters, no conflicts (2 of 4 stars). 5 submissions from 5 submitters: Benign (1); Likely benign (4). Last evaluated 2025-09-10.

Conditions:
Hereditary cancer-predisposing syndrome. Also called: Hereditary neoplastic syndrome; Tumor predisposition; Neoplastic Syndromes, Hereditary; Hereditary Cancer Syndrome. Identifiers: Orphanet 140162, MedGen C0027672, MeSH D009386, MONDO:0015356.
Familial thoracic aortic aneurysm and aortic dissection (TAAD). Also called: Thoracic aortic aneurysms and dissections. Identifiers: Orphanet 91387, MedGen C4707243, MONDO:0019625.
Juvenile polyposis syndrome (JPS). Identifiers: Orphanet 2929, MedGen C0345893, MONDO:0017380, OMIM 174900.
Juvenile polyposis/hereditary hemorrhagic telangiectasia syndrome (JPHT). Also called: Juvenile Polyposis Syndrome / Hereditary Hemorrhagic Telangiectasia (JPS/HHT); JP/HHT SYNDROME; JUVENILE POLYPOSIS WITH HEREDITARY HEMORRHAGIC TELANGIECTASIA; POLYPOSIS, GENERALIZED JUVENILE, WITH PULMONARY ARTERIOVENOUS MALFORMATION; TELANGIECTASIA, HEREDITARY HEMORRHAGIC, WITH JUVENILE POLYPOSIS COLI. Identifiers: Orphanet 2929, MedGen C1832942, MONDO:0008278, OMIM 175050.

Allele frequency attached by ClinVar (database versions not stated): gnomAD exomes below 0.00001; ExAC 0.00001; gnomAD 0.00001; TOPMed 0.00003.
gnomAD v4.1: 2 of 1,612,756 alleles (0.00012%); highest among the groups gnomAD compares: African/African-American, 0.0027%; no homozygotes.

Submissions (5):

Labcorp Genetics (formerly Invitae), Labcorp
Classification: Likely benign for Juvenile polyposis syndrome. Last evaluated: 2025-09-10. Review status: criteria provided, single submitter. Criteria: Invitae Variant Classification Sherloc (09022015). Collection method: clinical testing. Allele origin: germline.

Myriad Genetics, Inc.
Classification: Benign for Juvenile polyposis/hereditary hemorrhagic telangiectasia syndrome. Last evaluated: 2025-03-21. Review status: criteria provided, single submitter. Criteria: Myriad Autosomal Dominant, Autosomal Recessive and X-Linked Classification Criteria (2023). Collection method: clinical testing. Allele origin: unknown.
Comment: This variant is considered benign. This variant is a silent/synonymous amino acid change and it is not expected to impact splicing.

Women's Health and Genetics/Laboratory Corporation of America, LabCorp
Classification: Likely benign. Last evaluated: 2019-08-29. Review status: criteria provided, single submitter. Criteria: LabCorp Variant Classification Summary - May 2015. Collection method: clinical testing. Allele origin: germline.

Ambry Genetics
Classification: Likely benign for Hereditary cancer-predisposing syndrome; Familial thoracic aortic aneurysm and aortic dissection. Last evaluated: 2016-12-20. Review status: criteria provided, single submitter. Criteria: Ambry Variant Classification Scheme 2023. Collection method: clinical testing. Allele origin: germline.

Color Diagnostics, LLC DBA Color Health
Classification: Likely benign for Hereditary cancer-predisposing syndrome. Last evaluated: 2016-07-22. Review status: criteria provided, single submitter. Criteria: ACMG Guidelines, 2015. Collection method: clinical testing. Allele origin: germline.

NM_005359.6(SMAD4):c.1155A>G (p.Lys385=)

Gene: SMAD4 (SMAD family member 4; plus strand). Cytogenetic location: 18q21.2.
Variant type: single nucleotide variant.
Coding change: c.1155A>G on transcript NM_005359.6 (MANE Select); coding-DNA position 1155, A replaced by G.
Protein change: p.Lys385=; no amino-acid change (lysine 385 retained).
Molecular consequence: synonymous variant.
Genome position (GRCh38, 1-based): chr18:51,067,034, A>G. VCF-style: chr18-51067034-A-G. GRCh37 (hg19) VCF-style: chr18-48593404-A-G.
Identifiers: ClinVar variation 484818 (VCV000484818.20), dbSNP rs752938351, ClinGen allele CA8966020.